The following is an entry in ClinVar:

ClinVar aggregate classification (germline): Uncertain significance. Review status: criteria provided, multiple submitters, no conflicts (2 of 4 stars). 2 submissions from 2 submitters: Uncertain significance (2). Last evaluated 2025-12-24.

Conditions:
Inborn genetic diseases. Identifiers: MedGen C0950123, MeSH D030342.

Allele frequency attached by ClinVar (database versions not stated): ExAC 0.00003; gnomAD 0.00003.

Submissions (2):

Labcorp Genetics (formerly Invitae), Labcorp
Classification: Uncertain significance. Last evaluated: 2025-12-24. Review status: criteria provided, single submitter. Criteria: Invitae Variant Classification Sherloc (09022015). Collection method: clinical testing. Allele origin: germline.
Comment: This sequence change replaces arginine, which is basic and polar, with cysteine, which is neutral and slightly polar, at codon 295 of the SLC4A1 protein (p.Arg295Cys). This variant is present in population databases (rs769465410, gnomAD 0.008%). This variant has not been reported in the literature in individuals affected with SLC4A1-related conditions. ClinVar contains an entry for this variant (Variation ID: 2384377). Invitae Evidence Modeling of protein sequence and biophysical properties (such as structural, functional, and spatial information, amino acid conservation, physicochemical variation, residue mobility, and thermodynamic stability) indicates that this missense variant is not expected to disrupt SLC4A1 protein function with a negative predictive value of 80%. In summary, the available evidence is currently insufficient to determine the role of this variant in disease. Therefore, it has been classified as a Variant of Uncertain Significance.

Ambry Genetics
Classification: Uncertain significance for Inborn genetic diseases. Last evaluated: 2022-11-09. Review status: criteria provided, single submitter. Criteria: Ambry Variant Classification Scheme 2023. Collection method: clinical testing. Allele origin: germline.

NM_000342.4(SLC4A1):c.883C>T (p.Arg295Cys)

Gene: SLC4A1 (solute carrier family 4 member 1 (Diego blood group); minus strand). Cytogenetic location: 17q21.31.
Variant type: single nucleotide variant.
Coding change: c.883C>T on transcript NM_000342.4 (MANE Select); coding-DNA position 883, C replaced by T.
Protein change: p.Arg295Cys; replaces arginine 295 with cysteine.
Molecular consequence: missense variant.
Genome position (GRCh38, 1-based): chr17:44,258,617, G>A on the plus strand (C>T on the coding strand, the complement: SLC4A1 is on the minus strand). VCF-style: chr17-44258617-G-A. GRCh37 (hg19) VCF-style: chr17-42335985-G-A.
Other names: short protein forms R295C.
Identifiers: ClinVar variation 2384377 (VCV002384377.3), dbSNP rs769465410, ClinGen allele CA8600429.